The following is an entry in ClinVar:

NM_080425.4(GNAS):c.1147G>A (p.Ala383Thr)

Gene: GNAS (GNAS complex locus; plus strand). Cytogenetic location: 20q13.32.
Variant type: single nucleotide variant.
Coding change: c.1147G>A on transcript NM_080425.4 (MANE Plus Clinical); coding-DNA position 1147, G replaced by A.
Protein change: p.Ala383Thr; replaces alanine 383 with threonine.
Molecular consequence: missense variant. On other transcripts: intron variant (3), synonymous variant (2).
Genome position (GRCh38, 1-based): chr20:58,854,412, G>A. VCF-style: chr20-58854412-G-A. GRCh37 (hg19) VCF-style: chr20-57429467-G-A.
Other names: c.*42+13526G>A (NM_016592.5); c.43+13526G>A (NM_001410912.1); c.-39+12537G>A (NM_001309861.2); c.960G>A, p.Pro320= (NM_001077490.3, NM_001309883.1); c.1147G>A, p.Ala383Thr (NM_001410913.1); short protein forms A383T.
Identifiers: ClinVar variation 4536567 (VCV004536567.2).

ClinVar aggregate classification (germline): Uncertain significance. Review status: criteria provided, multiple submitters, no conflicts (2 of 4 stars). 2 submissions from 2 submitters: Uncertain significance (2). Last evaluated 2025-06-04.

Conditions:
GNAS-related disorder. Identifiers: MedGen CN380105.

gnomAD v4.1: 25 of 1,566,602 alleles (0.0016%); highest among the groups gnomAD compares: Non-Finnish European, 0.0021%; no homozygotes.

Submissions (2):

GeneDx
Classification: Uncertain significance. Last evaluated: 2025-06-04. Review status: criteria provided, single submitter. Criteria: GeneDx Variant Classification Process June 2021. Collection method: clinical testing. Allele origin: germline. Affected: yes.
Comment: In silico analysis indicates that this missense variant does not alter protein structure/function; Has not been previously published as pathogenic or benign to our knowledge; Reported using an alternate transcript of the gene

PreventionGenetics, part of Exact Sciences
Classification: Uncertain significance for GNAS-related condition. Last evaluated: 2025-03-13. Review status: criteria provided, single submitter. Criteria: ACMG Guidelines, 2015. Collection method: clinical testing. Allele origin: germline.
Comment: The GNAS c.1147G>A variant is predicted to result in the amino acid substitution p.Ala383Thr. This variant can also be referred to as a pre-coding variant c.-37315G>A using an alternative transcript (NM_000516). To our knowledge, this variant has not been reported in the literature. This variant is reported in 0.0028% of alleles in individuals of European (Non-Finnish) descent in gnomAD. At this time, the clinical significance of this variant is uncertain due to the absence of conclusive functional and genetic evidence.